The following is an entry in ClinVar:

NM_001164508.2(NEB):c.3988-2A>G

Gene: NEB (nebulin; minus strand). Cytogenetic location: 2q23.3.
Variant type: single nucleotide variant.
Coding change: c.3988-2A>G on transcript NM_001164508.2 (MANE Select); the canonical splice acceptor site of the intron before coding-DNA position 3988, A replaced by G.
Molecular consequence: splice acceptor variant.
Genome position (GRCh38, 1-based): chr2:151,672,682, T>C on the plus strand (A>G on the coding strand, the complement: NEB is on the minus strand). VCF-style: chr2-151672682-T-C. GRCh37 (hg19) VCF-style: chr2-152529196-T-C.
Other names: c.3988-2A>G (NM_004543.5, NM_001164507.2, NM_001271208.2).
Identifiers: ClinVar variation 1505936 (VCV001505936.8), dbSNP rs924831918, ClinGen allele CA348817203.
Genomic context (GRCh38, chr2:151,672,682, plus strand): 5'-AGGCTTCTGAAACCCACATGCTTTCCCTTTGACTTCTCATAAGCTTCCTTGTATTTATAC[T>C]GTGGAGGCAGAATTGGGTTAGCAAAGTCCTAGGCATTGATAGCATTAGCGCTGCAATTAC-3'

ClinVar aggregate classification (germline): Likely pathogenic (1 of 4 stars; one submission).

Conditions:
Nemaline myopathy 2 (NEM2). Also called: Nemaline myopathy 2, autosomal recessive. Identifiers: MedGen C1850569, MONDO:0009725, OMIM 256030.

Submission:

Labcorp Genetics (formerly Invitae), Labcorp
Classification: Likely pathogenic for Nemaline myopathy 2. Last evaluated: 2023-11-27. Review status: criteria provided, single submitter. Criteria: Invitae Variant Classification Sherloc (09022015). Collection method: clinical testing. Allele origin: germline.
Comment: This sequence change affects an acceptor splice site in intron 36 of the NEB gene. It is expected to disrupt RNA splicing. Variants that disrupt the donor or acceptor splice site typically lead to a loss of protein function (PMID: 16199547), and loss-of-function variants in NEB are known to be pathogenic (PMID: 25205138). This variant is not present in population databases (gnomAD no frequency). This variant has not been reported in the literature in individuals affected with NEB-related conditions. ClinVar contains an entry for this variant (Variation ID: 1505936). Algorithms developed to predict the effect of sequence changes on RNA splicing suggest that this variant may disrupt the consensus splice site. In summary, the currently available evidence indicates that the variant is pathogenic, but additional data are needed to prove that conclusively. Therefore, this variant has been classified as Likely Pathogenic.

Literature cited by the submitters: PubMed 16199547; PubMed 25205138.